The following is an entry in ClinVar:

NM_004519.4(KCNQ3):c.929G>A (p.Gly310Asp)

Gene: KCNQ3 (potassium voltage-gated channel subfamily Q member 3; minus strand). Cytogenetic location: 8q24.22.
Variant type: single nucleotide variant.
Coding change: c.929G>A on transcript NM_004519.4 (MANE Select); coding-DNA position 929, G replaced by A.
Protein change: p.Gly310Asp; replaces glycine 310 with aspartic acid.
Molecular consequence: missense variant.
Genome position (GRCh38, 1-based): chr8:132,175,457, C>T on the plus strand (G>A on the coding strand, the complement: KCNQ3 is on the minus strand). VCF-style: chr8-132175457-C-T. GRCh37 (hg19) VCF-style: chr8-133187704-C-T.
Other names: c.569G>A, p.Gly190Asp (NM_001204824.2); short protein forms G190D, G310D.
Identifiers: ClinVar variation 1067197 (VCV001067197.9), dbSNP rs118192250, ClinGen allele CA372290298.
Genomic context (GRCh38, chr8:132,175,457, plus strand): 5'-CTCTCTGACTCTTGACAGTCAATCTCACAGAATTGGCCTCCAAGGTAGTGACTCACCAGG[C>T]CCCACCACAGGGCATCTGCATAGGTCTCAAACTCCTCTTTCATCTCCTCTCCTTGTGCAT-3'
Protein context (NP_004510.1, residues 300-320): FETYADALWW[Gly310Asp]LITLATIGYG

ClinVar aggregate classification (germline): Likely pathogenic (1 of 4 stars; one submission).

Conditions:
Benign neonatal seizures. Also called: Convulsions benign familial neonatal dominant form; Autosomal dominant form of benign neonatal seizures; Benign neonatal familial convulsions; Benign familial neonatal epilepsy; Benign familial neonatal seizures. Identifiers: Orphanet 1949, MedGen C0220669, MONDO:0016027.

Submission:

Labcorp Genetics (formerly Invitae), Labcorp
Classification: Likely pathogenic for Benign neonatal seizures. Last evaluated: 2023-03-01. Review status: criteria provided, single submitter. Criteria: Invitae Variant Classification Sherloc (09022015). Collection method: clinical testing. Allele origin: germline.
Comment: In summary, the currently available evidence indicates that the variant is pathogenic, but additional data are needed to prove that conclusively. Therefore, this variant has been classified as Likely Pathogenic. This variant disrupts the p.Gly310 amino acid residue in KCNQ3. Other variant(s) that disrupt this residue have been determined to be pathogenic (PMID: 9425900). This suggests that this residue is clinically significant, and that variants that disrupt this residue are likely to be disease-causing. Advanced modeling of protein sequence and biophysical properties (such as structural, functional, and spatial information, amino acid conservation, physicochemical variation, residue mobility, and thermodynamic stability) performed at Invitae indicates that this missense variant is expected to disrupt KCNQ3 protein function. ClinVar contains an entry for this variant (Variation ID: 1067197). This missense change has been observed in individuals with autosomal dominant KCNQ3-related conditions (Invitae). This variant is not present in population databases (gnomAD no frequency). This sequence change replaces glycine, which is neutral and non-polar, with aspartic acid, which is acidic and polar, at codon 310 of the KCNQ3 protein (p.Gly310Asp).

Literature cited by the submitters: PubMed 9425900.